The following is an entry in ClinVar:

NM_004820.5(CYP7B1):c.122+2dup

Gene: CYP7B1 (cytochrome P450 family 7 subfamily B member 1; minus strand). Cytogenetic location: 8q12.3.
Variant type: Duplication.
Coding change: c.122+2dup on transcript NM_004820.5 (MANE Select); the canonical splice donor site of the intron after coding-DNA position 122, one base duplicated (T; older notation c.122+2dupT).
Molecular consequence: splice donor variant.
Genome position (GRCh38, 1-based): chr8:64,798,464, A duplicated on the plus strand (T on the coding strand, the reverse complement: CYP7B1 is on the minus strand). VCF-style (leftmost placement, unchanged base first): chr8-64798463-T-TA. GRCh37 (hg19) VCF-style: chr8-65711020-T-TA.
Other names: c.122+2dup (NM_001324112.2).
Identifiers: ClinVar variation 2100826 (VCV002100826.2), dbSNP rs2536112290, ClinGen allele CA2580078858.

ClinVar aggregate classification (germline): Uncertain significance (1 of 4 stars; one submission).

Conditions:
Spastic paraplegia. Identifiers: MedGen C0037772, HP:0001258.

Submission:

Labcorp Genetics (formerly Invitae), Labcorp
Classification: Uncertain significance for Spastic paraplegia. Last evaluated: 2022-09-07. Review status: criteria provided, single submitter. Criteria: Invitae Variant Classification Sherloc (09022015). Collection method: clinical testing. Allele origin: germline.
Comment: In summary, the available evidence is currently insufficient to determine the role of this variant in disease. Therefore, it has been classified as a Variant of Uncertain Significance. Variants that disrupt the consensus splice site are a relatively common cause of aberrant splicing (PMID: 17576681, 9536098). Algorithms developed to predict the effect of sequence changes on RNA splicing suggest that this variant may disrupt the consensus splice site. This variant has not been reported in the literature in individuals affected with CYP7B1-related conditions. This variant is not present in population databases (gnomAD no frequency). This sequence change falls in intron 1 of the CYP7B1 gene. It does not directly change the encoded amino acid sequence of the CYP7B1 protein. It affects a nucleotide within the consensus splice site.

Literature cited by the submitters: PubMed 17576681; PubMed 9536098.